The following is an entry in ClinVar:

ClinVar aggregate classification (germline): Benign/Likely benign. Review status: criteria provided, multiple submitters, no conflicts (2 of 4 stars). 14 submissions from 14 submitters: Benign (10); Likely benign (1). 3 of the submissions do not count toward it. Last evaluated 2026-02-04.

Conditions:
Focal segmental glomerulosclerosis 5 (FSGS5). Identifiers: Orphanet 656, MedGen C2750475, MONDO:0013191, OMIM 613237.
Charcot-Marie-Tooth disease dominant intermediate E. Also called: CHARCOT-MARIE-TOOTH NEUROPATHY WITH FOCAL SEGMENTAL GLOMERULONEPHRITIS. Identifiers: Orphanet 93114, MedGen C4302667, MONDO:0013758, OMIM 614455.

Allele frequency attached by ClinVar (database versions not stated): 1000 Genomes Project 0.69489; 1000 Genomes Project 30x 0.69550.
gnomAD v4.1: 900,291 of 1,595,520 alleles (56%); highest among the groups gnomAD compares: East Asian, 91%; 258,329 homozygotes.

Submissions (14):

Labcorp Genetics (formerly Invitae), Labcorp
Classification: Benign for Charcot-Marie-Tooth disease dominant intermediate E; Focal segmental glomerulosclerosis 5. Last evaluated: 2026-02-04. Review status: criteria provided, single submitter. Criteria: Invitae Variant Classification Sherloc (09022015). Collection method: clinical testing. Allele origin: germline.

Blueprint Genetics
Classification: Benign. Last evaluated: 2024-11-27. Review status: criteria provided, single submitter. Criteria: ACMG Guidelines, 2015. Collection method: clinical testing. Allele origin: germline.

Unidad de Genómica Garrahan, Hospital de Pediatría Garrahan
Classification: Benign. Last evaluated: 2024-07-15. Review status: criteria provided, single submitter. Criteria: ACMG Guidelines, 2015. Collection method: clinical testing. Allele origin: germline. Affected: no. Observed: 86 variant alleles.
Comment: This variant is classified as Benign based on local population frequency. This variant was detected in 92% of patients studied in a panel designed for Epileptic and Developmental Encephalopathy and Progressive Myoclonus Epilepsy. Number of patients: 86. Only high quality variants are reported.

Mayo Clinic Laboratories, Mayo Clinic
Classification: Benign. Last evaluated: 2022-10-27. Review status: criteria provided, single submitter. Criteria: ACMG Guidelines, 2015. Collection method: clinical testing. Allele origin: germline. Observed: 1,989 variant alleles.

Genome-Nilou Lab
Classification: Benign for Charcot-Marie-Tooth disease dominant intermediate E. Last evaluated: 2021-08-19. Review status: criteria provided, single submitter. Criteria: ACMG Guidelines, 2015. Collection method: clinical testing. Allele origin: germline. Affected: no.

Fulgent Genetics
Classification: Likely benign for Focal segmental glomerulosclerosis 5; Charcot-Marie-Tooth disease dominant intermediate E. Last evaluated: 2021-07-20. Review status: criteria provided, single submitter. Criteria: ACMG Guidelines, 2015. Collection method: clinical testing. Allele origin: unknown.

Athena Diagnostics
Classification: Benign. Last evaluated: 2021-03-18. Review status: criteria provided, single submitter. Criteria: Athena Diagnostics criteria. Collection method: clinical testing. Allele origin: unknown.

Illumina Laboratory Services, Illumina
Classification: Benign for Focal segmental glomerulosclerosis 5. Last evaluated: 2018-01-13. Review status: criteria provided, single submitter. Criteria: ICSL Variant Classification Criteria 13 December 2019. Collection method: clinical testing. Allele origin: germline.
Comment: This variant was observed in the ICSL laboratory as part of a predisposition screen in an ostensibly healthy population. It had not been previously curated by ICSL or reported in the Human Gene Mutation Database (HGMD: prior to June 1st, 2018), and was therefore a candidate for classification through an automated scoring system. Utilizing variant allele frequency, disease prevalence and penetrance estimates, and inheritance mode, an automated score was calculated to assess if this variant is too frequent to cause the disease. Based on the score and internal cut-off values, a variant classified as benign is not then subjected to further curation. The score for this variant resulted in a classification of benign for this disease.

GeneDx
Classification: Benign. Last evaluated: 2015-12-21. Review status: criteria provided, single submitter. Criteria: GeneDx Variant Classification (06012015). Collection method: clinical testing. Allele origin: germline. Affected: yes.
Comment: This variant is considered likely benign or benign based on one or more of the following criteria: it is a conservative change, it occurs at a poorly conserved position in the protein, it is predicted to be benign by multiple in silico algorithms, and/or has population frequency not consistent with disease.

Breakthrough Genomics
Classification: Benign. Review status: criteria provided, single submitter. Criteria: ACMG Guidelines, 2015. Collection method: not provided. Allele origin: germline. Inheritance: Autosomal dominant inheritance. Affected: yes.

PreventionGenetics, part of Exact Sciences
Classification: Benign. Review status: criteria provided, single submitter. Criteria: ACMG Guidelines, 2015. Collection method: clinical testing. Allele origin: germline.

Clinical Genetics, Academic Medical Center
Classification: Benign. Review status: no assertion criteria provided. Collection method: clinical testing. Allele origin: germline. Affected: yes. Study: VKGL Data-share Consensus. Not counted in ClinVar's aggregate classification.

Diagnostic Laboratory, Department of Genetics, University Medical Center Groningen
Classification: Benign. Review status: no assertion criteria provided. Collection method: clinical testing. Allele origin: germline. Affected: yes. Study: VKGL Data-share Consensus. Not counted in ClinVar's aggregate classification.

Joint Genome Diagnostic Labs from Nijmegen and Maastricht, Radboudumc and MUMC+
Classification: Benign. Review status: no assertion criteria provided. Collection method: clinical testing. Allele origin: germline. Affected: yes. Study: VKGL Data-share Consensus. Not counted in ClinVar's aggregate classification.

NM_022489.4(INF2):c.3207A>C (p.Pro1069=)

Gene: INF2 (inverted formin 2; plus strand). Cytogenetic location: 14q32.33.
Variant type: single nucleotide variant.
Coding change: c.3207A>C on transcript NM_022489.4 (MANE Select); coding-DNA position 3207, A replaced by C.
Protein change: p.Pro1069=; no amino-acid change (proline 1069 retained).
Molecular consequence: synonymous variant.
Genome position (GRCh38, 1-based): chr14:104,714,369, A>C. VCF-style: chr14-104714369-A-C. GRCh37 (hg19) VCF-style: chr14-105180706-A-C.
Other names: p.Pro1069=; c.3207A>C, p.Pro1069= (NM_001031714.4).
Identifiers: ClinVar variation 261617 (VCV000261617.29), dbSNP rs1128840, ClinGen allele CA7373200.